The following is an entry in ClinVar:

NM_016169.4(SUFU):c.644A>G (p.Asn215Ser)

Gene: SUFU (SUFU negative regulator of hedgehog signaling; plus strand). Cytogenetic location: 10q24.32.
Variant type: single nucleotide variant.
Coding change: c.644A>G on transcript NM_016169.4 (MANE Select); coding-DNA position 644, A replaced by G.
Protein change: p.Asn215Ser; replaces asparagine 215 with serine.
Molecular consequence: missense variant.
Genome position (GRCh38, 1-based): chr10:102,593,682, A>G. VCF-style: chr10-102593682-A-G. GRCh37 (hg19) VCF-style: chr10-104353439-A-G.
Other names: c.644A>G, p.Asn215Ser (NM_001178133.2); short protein forms N215S.
Identifiers: ClinVar variation 658587 (VCV000658587.10), dbSNP rs1178631893, ClinGen allele CA377909528.

ClinVar aggregate classification (germline): Uncertain significance. Review status: criteria provided, multiple submitters, no conflicts (2 of 4 stars). 2 submissions from 2 submitters: Uncertain significance (2). Last evaluated 2026-07-06.

Conditions:
Gorlin syndrome. Also called: Nevoid Basal Cell Carcinoma Syndrome; Basal cell nevus syndrome. Identifiers: Orphanet 377, MedGen C0004779, MONDO:0007187.
Medulloblastoma (MDB). Also called: MEDULLOBLASTOMA PREDISPOSITION SYNDROME; Medulloblastoma, somatic. Identifiers: Orphanet 616, MedGen C0025149, MeSH D008527, MONDO:0007959, OMIM 155255, HP:0002885.
Hereditary cancer-predisposing syndrome. Also called: Neoplastic Syndromes, Hereditary; Hereditary Cancer Syndrome; Hereditary neoplastic syndrome; Tumor predisposition. Identifiers: Orphanet 140162, MedGen C0027672, MeSH D009386, MONDO:0015356.

Allele frequency attached by ClinVar (database versions not stated): gnomAD exomes below 0.00001 and 0.00001.
gnomAD v4.1: 2 of 1,614,202 alleles (0.00012%); highest among the groups gnomAD compares: Middle Eastern, 0.016%; no homozygotes.

Submissions (2):

Ambry Genetics
Classification: Uncertain significance for Hereditary cancer-predisposing syndrome. Last evaluated: 2026-07-06. Review status: criteria provided, single submitter. Criteria: Ambry Variant Classification Scheme 2023. Collection method: clinical testing. Allele origin: germline.
Comment: The p.N215S variant (also known as c.644A>G), located in coding exon 5 of the SUFU gene, results from an A to G substitution at nucleotide position 644. The asparagine at codon 215 is replaced by serine, an amino acid with highly similar properties. This amino acid position is conserved. In addition, this alteration is predicted to be tolerated by in silico analysis. Based on the available evidence, the clinical significance of this variant remains unclear.

Labcorp Genetics (formerly Invitae), Labcorp
Classification: Uncertain significance for Gorlin syndrome; Medulloblastoma. Last evaluated: 2025-11-27. Review status: criteria provided, single submitter. Criteria: Invitae Variant Classification Sherloc (09022015). Collection method: clinical testing. Allele origin: germline.
Comment: This sequence change replaces asparagine, which is neutral and polar, with serine, which is neutral and polar, at codon 215 of the SUFU protein (p.Asn215Ser). This variant is present in population databases (no rsID available, gnomAD 0.0009%). This variant has not been reported in the literature in individuals affected with SUFU-related conditions. ClinVar contains an entry for this variant (Variation ID: 658587). Invitae Evidence Modeling of protein sequence and biophysical properties (such as structural, functional, and spatial information, amino acid conservation, physicochemical variation, residue mobility, and thermodynamic stability) indicates that this missense variant is not expected to disrupt SUFU protein function with a negative predictive value of 80%. In summary, the available evidence is currently insufficient to determine the role of this variant in disease. Therefore, it has been classified as a Variant of Uncertain Significance.